The following is an entry in ClinVar:

ClinVar aggregate classification (germline): Uncertain significance (1 of 4 stars; one submission).

Submission:

GeneDx
Classification: Uncertain significance. Last evaluated: 2025-06-13. Review status: criteria provided, single submitter. Criteria: GeneDx Variant Classification Process June 2021. Collection method: clinical testing. Allele origin: germline. Affected: yes.
Comment: Not observed at significant frequency in large population cohorts (gnomAD); In silico analysis supports that this missense variant has a deleterious effect on protein structure/function; Has not been previously published as pathogenic or benign to our knowledge; In silico analysis is inconclusive as to whether the variant alters gene splicing. In the absence of RNA/functional studies, the actual effect of this sequence change is unknown.

NM_000297.4(PKD2):c.1348G>A (p.Gly450Ser)

Gene: PKD2 (polycystin 2, transient receptor potential cation channel; plus strand). Cytogenetic location: 4q22.1.
Variant type: single nucleotide variant.
Coding change: c.1348G>A on transcript NM_000297.4 (MANE Select); coding-DNA position 1348, G replaced by A.
Protein change: p.Gly450Ser; replaces glycine 450 with serine.
Molecular consequence: missense variant. On other transcripts: non-coding transcript variant (1).
Genome position (GRCh38, 1-based): chr4:88,046,670, G>A. VCF-style: chr4-88046670-G-A. GRCh37 (hg19) VCF-style: chr4-88967822-G-A.
Other names: c.1123G>A, p.Gly375Ser (NM_001440544.1); short protein forms G375S, G450S.
Identifiers: ClinVar variation 4537628 (VCV004537628.1).